The following is an entry in ClinVar:

NM_006431.3(CCT2):c.92G>T (p.Gly31Val)

Gene: CCT2 (chaperonin containing TCP1 subunit 2; plus strand). Cytogenetic location: 12q15.
Variant type: single nucleotide variant.
Coding change: c.92G>T on transcript NM_006431.3 (MANE Select); coding-DNA position 92, G replaced by T.
Protein change: p.Gly31Val; replaces glycine 31 with valine.
Molecular consequence: missense variant. On other transcripts: 5 prime UTR variant (1).
Genome position (GRCh38, 1-based): chr12:69,586,766, G>T. VCF-style: chr12-69586766-G-T. GRCh37 (hg19) VCF-style: chr12-69980546-G-T.
Other names: c.-50G>T (NM_001198842.2); short protein forms G31V.
Identifiers: ClinVar variation 2125677 (VCV002125677.4), dbSNP rs2498989003, ClinGen allele CA385722941.

ClinVar aggregate classification (germline): Uncertain significance (1 of 4 stars; one submission).

Submission:

Labcorp Genetics (formerly Invitae), Labcorp
Classification: Uncertain significance. Last evaluated: 2022-04-12. Review status: criteria provided, single submitter. Criteria: Invitae Variant Classification Sherloc (09022015). Collection method: clinical testing. Allele origin: germline.
Comment: This sequence change replaces glycine, which is neutral and non-polar, with valine, which is neutral and non-polar, at codon 31 of the CCT2 protein (p.Gly31Val). This variant is not present in population databases (gnomAD no frequency). This variant has not been reported in the literature in individuals affected with CCT2-related conditions. Algorithms developed to predict the effect of missense changes on protein structure and function are either unavailable or do not agree on the potential impact of this missense change (SIFT: "Deleterious"; PolyPhen-2: "Probably Damaging"; Align-GVGD: "Class C0"). In summary, the available evidence is currently insufficient to determine the role of this variant in disease. Therefore, it has been classified as a Variant of Uncertain Significance.